The following is an entry in ClinVar:

NM_001130823.3(DNMT1):c.2586+45G>A

Gene: DNMT1 (DNA methyltransferase 1; minus strand). Cytogenetic location: 19p13.2.
Variant type: single nucleotide variant.
Coding change: c.2586+45G>A on transcript NM_001130823.3 (MANE Select); 45 bases into the intron after coding-DNA position 2586, G replaced by A.
Molecular consequence: intron variant.
Genome position (GRCh38, 1-based): chr19:10,149,408, C>T on the plus strand (G>A on the coding strand, the complement: DNMT1 is on the minus strand). VCF-style: chr19-10149408-C-T. GRCh37 (hg19) VCF-style: chr19-10260084-C-T.
Other names: c.2223+45G>A (NM_001318731.2); c.2538+45G>A (NM_001379.4, NM_001318730.2).
Identifiers: ClinVar variation 678896 (VCV000678896.2), dbSNP rs10405146, ClinGen allele CA9188013.

ClinVar aggregate classification (germline): Benign. Review status: criteria provided, multiple submitters, no conflicts (2 of 4 stars). 2 submissions from 2 submitters: Benign (2). Last evaluated 2018-06-16.

Allele frequency attached by ClinVar (database versions not stated): gnomAD exomes 0.00148 and 0.00403; gnomAD 0.01560 and 0.01664; 1000 Genomes Project 0.01757; TOPMed 0.01765; 1000 Genomes Project 30x 0.01968; ExAC 0.00481; ESP Exome Variant Server 0.01553.

Submissions (2):

GeneDx
Classification: Benign. Last evaluated: 2018-06-16. Review status: criteria provided, single submitter. Criteria: GeneDx Variant Classification (06012015). Collection method: clinical testing. Allele origin: germline. Affected: yes.
Comment: This variant is considered likely benign or benign based on one or more of the following criteria: it is a conservative change, it occurs at a poorly conserved position in the protein, it is predicted to be benign by multiple in silico algorithms, and/or has population frequency not consistent with disease.

Breakthrough Genomics
Classification: Benign. Review status: criteria provided, single submitter. Criteria: ACMG Guidelines, 2015. Collection method: not provided. Allele origin: germline. Inheritance: Autosomal dominant inheritance. Affected: yes.